The following is an entry in ClinVar:

ClinVar aggregate classification (germline): Uncertain significance (1 of 4 stars; one submission).

Conditions:
Duchenne muscular dystrophy (DMD). Also called: MUSCULAR DYSTROPHY, PSEUDOHYPERTROPHIC PROGRESSIVE, DUCHENNE TYPE; Duchenne Muscular Dystrophy (DMD). Identifiers: Orphanet 98896, MedGen C0013264, MONDO:0010679, OMIM 310200.

Submission:

Labcorp Genetics (formerly Invitae), Labcorp
Classification: Uncertain significance for Duchenne muscular dystrophy. Last evaluated: 2025-11-25. Review status: criteria provided, single submitter. Criteria: Invitae Variant Classification Sherloc (09022015). Collection method: clinical testing. Allele origin: germline.
Comment: This sequence change replaces aspartic acid, which is acidic and polar, with asparagine, which is neutral and polar, at codon 360 of the DMD protein (p.Asp360Asn). This variant is not present in population databases (gnomAD no frequency). This variant has not been reported in the literature in individuals affected with DMD-related conditions. Invitae Evidence Modeling of protein sequence and biophysical properties (such as structural, functional, and spatial information, amino acid conservation, physicochemical variation, residue mobility, and thermodynamic stability) indicates that this missense variant is not expected to disrupt DMD protein function with a negative predictive value of 95%. In summary, the available evidence is currently insufficient to determine the role of this variant in disease. Therefore, it has been classified as a Variant of Uncertain Significance.

NM_004006.3(DMD):c.1078G>A (p.Asp360Asn)

Gene: DMD (dystrophin; minus strand). Cytogenetic location: Xp21.1.
Variant type: single nucleotide variant.
Coding change: c.1078G>A on transcript NM_004006.3 (MANE Select); coding-DNA position 1078, G replaced by A.
Protein change: p.Asp360Asn; replaces aspartic acid 360 with asparagine.
Molecular consequence: missense variant.
Genome position (GRCh38, 1-based): chrX:32,645,035, C>T on the plus strand (G>A on the coding strand, the complement: DMD is on the minus strand). VCF-style: chrX-32645035-C-T. GRCh37 (hg19) VCF-style: chrX-32663152-C-T.
Other names: c.1054G>A, p.Asp352Asn (NM_000109.4); c.1066G>A, p.Asp356Asn (NM_004009.3); c.709G>A, p.Asp237Asn (NM_004010.3); short protein forms D237N, D360N, D352N, D356N.
Identifiers: ClinVar variation 4693525 (VCV004693525.1).